The following is an entry in ClinVar:

NM_001572.5(IRF7):c.1252C>T (p.Arg418Trp)

Gene: IRF7 (interferon regulatory factor 7; minus strand). Cytogenetic location: 11p15.5.
Variant type: single nucleotide variant.
Coding change: c.1252C>T on transcript NM_001572.5 (MANE Select); coding-DNA position 1252, C replaced by T.
Protein change: p.Arg418Trp; replaces arginine 418 with tryptophan.
Molecular consequence: missense variant.
Genome position (GRCh38, 1-based): chr11:613,103, G>A on the plus strand (C>T on the coding strand, the complement: IRF7 is on the minus strand). VCF-style: chr11-613103-G-A. GRCh37 (hg19) VCF-style: chr11-613103-G-A.
Other names: c.1165C>T, p.Arg389Trp (NM_004029.4); c.1291C>T, p.Arg431Trp (NM_004031.4); short protein forms R431W, R389W, R418W.
Identifiers: ClinVar variation 1520904 (VCV001520904.8), dbSNP rs944667389, ClinGen allele CA216910148.
Genomic context (GRCh38, chr11:613,103, plus strand): 5'-GGTCCTGCCCGAAGCCCAGGTAGATGGTATAGCGTGGGGAGCCACGGCGCTGCCGTGCCC[G>A]GAATTCCACCAGCTCTGAAGAAGGGGACTCTGCTGAGTACCTGGCAGGCAGGTGCTCCCA-3'
Protein context (NP_001563.2, residues 408-428): RVFFQELVEF[Arg418Trp]ARQRRGSPRY

ClinVar aggregate classification (germline): Uncertain significance (1 of 4 stars; one submission).

Conditions:
Immunodeficiency 39 (IMD39). Identifiers: Orphanet 574918, MedGen C4225358, MONDO:0014597, OMIM 616345.

Allele frequency attached by ClinVar (database versions not stated): gnomAD exomes below 0.00001 and 0.00008; gnomAD 0.00001; TOPMed 0.00001.
gnomAD v4.1: 116 of 1,612,942 alleles (0.0072%); highest among the groups gnomAD compares: Middle Eastern, 0.017%; no homozygotes.

Submission:

Labcorp Genetics (formerly Invitae), Labcorp
Classification: Uncertain significance for Immunodeficiency 39. Last evaluated: 2023-07-18. Review status: criteria provided, single submitter. Criteria: Invitae Variant Classification Sherloc (09022015). Collection method: clinical testing. Allele origin: germline.
Comment: This sequence change replaces arginine, which is basic and polar, with tryptophan, which is neutral and slightly polar, at codon 431 of the IRF7 protein (p.Arg431Trp). The frequency data for this variant in the population databases is considered unreliable, as metrics indicate poor data quality at this position in the gnomAD database. This variant has not been reported in the literature in individuals affected with IRF7-related conditions. ClinVar contains an entry for this variant (Variation ID: 1520904). Advanced modeling of protein sequence and biophysical properties (such as structural, functional, and spatial information, amino acid conservation, physicochemical variation, residue mobility, and thermodynamic stability) performed at Invitae indicates that this missense variant is expected to disrupt IRF7 protein function. In summary, the available evidence is currently insufficient to determine the role of this variant in disease. Therefore, it has been classified as a Variant of Uncertain Significance.